The following is an entry in ClinVar:

ClinVar aggregate classification (germline): Conflicting classifications of pathogenicity. Review status: criteria provided, conflicting classifications (1 of 4 stars). 2 submissions from 2 submitters: Uncertain significance (1); Likely benign (1). Last evaluated 2025-11-03.

Conditions:
Hereditary cancer-predisposing syndrome. Also called: Hereditary neoplastic syndrome; Neoplastic Syndromes, Hereditary; Tumor predisposition; Hereditary Cancer Syndrome. Identifiers: Orphanet 140162, MedGen C0027672, MeSH D009386, MONDO:0015356.

Allele frequency attached by ClinVar (database versions not stated): gnomAD exomes below 0.00001 and 0.00002; ExAC 0.00003.
gnomAD v4.1: 4 of 1,582,878 alleles (0.00025%); highest among the groups gnomAD compares: East Asian, 0.0023%; no homozygotes.

Submissions (2):

Labcorp Genetics (formerly Invitae), Labcorp
Classification: Uncertain significance. Last evaluated: 2025-11-03. Review status: criteria provided, single submitter. Criteria: Invitae Variant Classification Sherloc (09022015). Collection method: clinical testing. Allele origin: germline.
Comment: This sequence change replaces glutamic acid, which is acidic and polar, with glycine, which is neutral and non-polar, at codon 43 of the NTHL1 protein (p.Glu43Gly). The frequency data for this variant in the population databases is considered unreliable, as metrics indicate poor data quality at this position in the gnomAD database. This variant has not been reported in the literature in individuals affected with NTHL1-related conditions. ClinVar contains an entry for this variant (Variation ID: 836713). An algorithm developed to predict the effect of missense changes on protein structure and function outputs the following: PolyPhen-2: "Benign". The glycine amino acid residue is found in multiple mammalian species, which suggests that this missense change does not adversely affect protein function. In summary, the available evidence is currently insufficient to determine the role of this variant in disease. Therefore, it has been classified as a Variant of Uncertain Significance.

Ambry Genetics
Classification: Likely benign for Hereditary cancer-predisposing syndrome. Last evaluated: 2025-06-05. Review status: criteria provided, single submitter. Criteria: Ambry Variant Classification Scheme 2023. Collection method: clinical testing. Allele origin: germline.

NM_002528.7(NTHL1):c.104A>G (p.Glu35Gly)

Gene: NTHL1 (nth like DNA glycosylase 1; minus strand). Cytogenetic location: 16p13.3.
Variant type: single nucleotide variant.
Coding change: c.104A>G on transcript NM_002528.7 (MANE Select); coding-DNA position 104, A replaced by G.
Protein change: p.Glu35Gly; replaces glutamic acid 35 with glycine.
Molecular consequence: missense variant. On other transcripts: 5 prime UTR variant (1).
Genome position (GRCh38, 1-based): chr16:2,047,720, T>C on the plus strand (A>G on the coding strand, the complement: NTHL1 is on the minus strand). VCF-style: chr16-2047720-T-C. GRCh37 (hg19) VCF-style: chr16-2097721-T-C.
Other names: c.104A>G, p.Glu35Gly (NM_001318193.2); c.-75A>G (NM_001318194.2); short protein forms E35G.
Identifiers: ClinVar variation 836713 (VCV000836713.13), dbSNP rs778185523, ClinGen allele CA027443.